The following is an entry in ClinVar:

ClinVar aggregate classification (germline): Likely benign (1 of 4 stars; one submission).

Conditions:
Birt-Hogg-Dube syndrome 1 (BHD1). Also called: FIBROFOLLICULOMAS WITH TRICHODISCOMAS AND ACROCHORDONS. Identifiers: Orphanet 122, MedGen CN375946, MONDO:0800445, OMIM 135150.

Submission:

Myriad Genetics, Inc.
Classification: Likely benign for Birt-Hogg-Dube syndrome 1. Last evaluated: 2024-10-22. Review status: criteria provided, single submitter. Criteria: Myriad Autosomal Dominant, Autosomal Recessive and X-Linked Classification Criteria (2023). Collection method: clinical testing. Allele origin: unknown.
Comment: This variant is considered likely benign. This variant is intronic and is not expected to impact mRNA splicing.

NM_144997.7(FLCN):c.250-16T>C

Gene: FLCN (folliculin; minus strand). Cytogenetic location: 17p11.2.
Variant type: single nucleotide variant.
Coding change: c.250-16T>C on transcript NM_144997.7 (MANE Select); 16 bases into the intron before coding-DNA position 250, T replaced by C.
Molecular consequence: intron variant.
Genome position (GRCh38, 1-based): chr17:17,226,338, A>G on the plus strand (T>C on the coding strand, the complement: FLCN is on the minus strand). VCF-style: chr17-17226338-A-G. GRCh37 (hg19) VCF-style: chr17-17129652-A-G.
Other names: c.250-16T>C (NM_001353231.2, NM_001353230.2, NM_001353229.2 and 1 more transcripts).
Identifiers: ClinVar variation 3773110 (VCV003773110.1).